The following is an entry in ClinVar:

ClinVar aggregate classification (germline): Pathogenic. Review status: criteria provided, multiple submitters, no conflicts (2 of 4 stars). 2 submissions from 2 submitters: Pathogenic (2). Last evaluated 2023-01-04.

Conditions:
Ehlers-Danlos syndrome, classic type, 1 (EDSCL1). Also called: Ehlers-Danlos Syndrome, Classic Type, COL5A1-Related; EHLERS-DANLOS SYNDROME, GRAVIS TYPE; EHLERS-DANLOS SYNDROME, SEVERE CLASSIC TYPE; Ehlers-Danlos syndrome, type 1; EDS I. Identifiers: MedGen C0268335, MONDO:0019567, OMIM 130000.
Osteogenesis imperfecta type I (OI1). Also called: OI, TYPE I; OSTEOGENESIS IMPERFECTA TARDA; OSTEOGENESIS IMPERFECTA WITH BLUE SCLERAE; Osteogenesis imperfecta type 1; Classic Non-deforming Osteogenesis Imperfecta with Blue Sclerae; Lobstein's Disease. Identifiers: Orphanet 216796, Orphanet 666, MedGen C0023931, MONDO:0008146, OMIM 166200. Disease mechanism: loss of function.

Submissions (2):

Revvity Omics, Revvity
Classification: Pathogenic. Last evaluated: 2023-01-04. Review status: criteria provided, single submitter. Criteria: ACMG Guidelines, 2015. Collection method: clinical testing. Allele origin: germline.

Labcorp Genetics (formerly Invitae), Labcorp
Classification: Pathogenic for Osteogenesis imperfecta type I; Ehlers-Danlos syndrome, classic type, 1. Last evaluated: 2022-10-23. Review status: criteria provided, single submitter. Criteria: Invitae Variant Classification Sherloc (09022015). Collection method: clinical testing. Allele origin: germline.
Comment: For these reasons, this variant has been classified as Pathogenic. This variant disrupts the triple helix domain of COL1A2. Glycine residues within the Gly-Xaa-Yaa repeats of the triple helix domain are required for the structure and stability of fibrillar collagens (PMID: 7695699, 8218237, 19344236). In COL1A2, variants affecting these glycine residues are significantly enriched in individuals with disease (PMID: 9016532, 17078022) compared to the general population (ExAC). Advanced modeling of protein sequence and biophysical properties (such as structural, functional, and spatial information, amino acid conservation, physicochemical variation, residue mobility, and thermodynamic stability) performed at Invitae indicates that this missense variant is expected to disrupt COL1A2 protein function. This missense change has been observed in individual(s) with autosomal dominant osteogenesis imperfecta type III (PMID: 24668929). This variant is not present in population databases (gnomAD no frequency). This sequence change replaces glycine, which is neutral and non-polar, with serine, which is neutral and polar, at codon 517 of the COL1A2 protein (p.Gly517Ser).

Literature cited by the submitters: PubMed 7695699 (cited by Labcorp Genetics (formerly Invitae), Labcorp); PubMed 8218237 (cited by Labcorp Genetics (formerly Invitae), Labcorp); PubMed 19344236 (cited by Labcorp Genetics (formerly Invitae), Labcorp); PubMed 9016532 (cited by Labcorp Genetics (formerly Invitae), Labcorp); PubMed 17078022 (cited by Labcorp Genetics (formerly Invitae), Labcorp); PubMed 24668929 (cited by Labcorp Genetics (formerly Invitae), Labcorp).

NM_000089.4(COL1A2):c.1549G>A (p.Gly517Ser)

Gene: COL1A2 (collagen type I alpha 2 chain; plus strand). Cytogenetic location: 7q21.3.
Variant type: single nucleotide variant.
Coding change: c.1549G>A on transcript NM_000089.4 (MANE Select); coding-DNA position 1549, G replaced by A.
Protein change: p.Gly517Ser; replaces glycine 517 with serine.
Molecular consequence: missense variant.
Genome position (GRCh38, 1-based): chr7:94,413,128, G>A. VCF-style: chr7-94413128-G-A. GRCh37 (hg19) VCF-style: chr7-94042440-G-A.
Other names: short protein forms G517S.
Identifiers: ClinVar variation 2136565 (VCV002136565.7), dbSNP rs72658126, ClinGen allele CA368222079.